The following is an entry in ClinVar:

ClinVar aggregate classification (germline): Likely benign (1 of 4 stars; one submission).

Conditions:
Hereditary cancer-predisposing syndrome. Also called: Neoplastic Syndromes, Hereditary; Tumor predisposition; Hereditary Cancer Syndrome; Hereditary neoplastic syndrome. Identifiers: Orphanet 140162, MedGen C0027672, MeSH D009386, MONDO:0015356.

Submissions (2):

Color Diagnostics, LLC DBA Color Health
Classification: Likely benign for Hereditary cancer-predisposing syndrome. Last evaluated: 2020-03-02. Review status: criteria provided, single submitter. Criteria: ACMG Guidelines, 2015. Collection method: clinical testing. Allele origin: germline.

Brotman Baty Institute, University of Washington
No classification provided (evidence only). Condition: Breast-ovarian cancer, familial 1. Review status: no classification provided. Collection method: in vitro. Allele origin: not applicable. Functional consequence: functionally_normal. Not counted in ClinVar's aggregate classification.
ClinVar note: "not provided" was previously submitted as the classification for the variant. However, the classification appeared to be based only on an observation of functional data so it was converted to no classification on 2025-07-30.

NM_007294.4(BRCA1):c.27A>G (p.Glu9=)

Gene: BRCA1 (BRCA1 DNA repair associated; minus strand). Cytogenetic location: 17q21.31.
Variant type: single nucleotide variant.
Coding change: c.27A>G on transcript NM_007294.4 (MANE Select); coding-DNA position 27, A replaced by G.
Protein change: p.Glu9=; no amino-acid change (glutamic acid 9 retained).
Molecular consequence: synonymous variant. On other transcripts: intron variant (36), 5 prime UTR variant (136).
Genome position (GRCh38, 1-based): chr17:43,124,070, T>C on the plus strand (A>G on the coding strand, the complement: BRCA1 is on the minus strand). VCF-style: chr17-43124070-T-C. GRCh37 (hg19) VCF-style: chr17-41276087-T-C.
Other names: c.-224+1207A>G (NM_001408512.1, NM_001408510.1, NM_001407962.1); c.-109+1207A>G (NM_001407885.1); c.-62+1207A>G (NM_001408470.1, NM_001407848.1, NM_001407839.1 and 6 more transcripts); c.-178+1207A>G (NM_001407746.1); c.-219+1201A>G (NM_001407966.1); c.-170+1201A>G (NM_001407963.1); c.-8+1201A>G (NM_001408511.1, NM_001408457.1, NM_001407692.1); c.-224+1201A>G (NM_001407960.1); and 23 more.
Identifiers: ClinVar variation 868710 (VCV000868710.5), dbSNP rs2055738370, ClinGen allele CA500131478.